The following is an entry in ClinVar:

NM_006361.6(HOXB13):c.170C>A (p.Ala57Glu)

Gene: HOXB13 (homeobox B13; minus strand). Cytogenetic location: 17q21.32.
Variant type: single nucleotide variant.
Coding change: c.170C>A on transcript NM_006361.6 (MANE Select); coding-DNA position 170, C replaced by A.
Protein change: p.Ala57Glu; replaces alanine 57 with glutamic acid.
Molecular consequence: missense variant.
Genome position (GRCh38, 1-based): chr17:48,728,424, G>T on the plus strand (C>A on the coding strand, the complement: HOXB13 is on the minus strand). VCF-style: chr17-48728424-G-T. GRCh37 (hg19) VCF-style: chr17-46805786-G-T.
Other names: short protein forms A57E.
Identifiers: ClinVar variation 1778521 (VCV001778521.2), dbSNP rs1597934926, ClinGen allele CA400108998.

ClinVar aggregate classification (germline): Uncertain significance (1 of 4 stars; one submission).

Conditions:
Hereditary cancer-predisposing syndrome. Also called: Neoplastic Syndromes, Hereditary; Tumor predisposition; Hereditary Cancer Syndrome; Hereditary neoplastic syndrome. Identifiers: Orphanet 140162, MedGen C0027672, MeSH D009386, MONDO:0015356.

Submission:

Ambry Genetics
Classification: Uncertain significance for Hereditary cancer-predisposing syndrome. Last evaluated: 2022-07-14. Review status: criteria provided, single submitter. Criteria: Ambry Variant Classification Scheme 2023. Collection method: clinical testing. Allele origin: germline.
Comment: The p.A57E variant (also known as c.170C>A), located in coding exon 1 of the HOXB13 gene, results from a C to A substitution at nucleotide position 170. The alanine at codon 57 is replaced by glutamic acid, an amino acid with dissimilar properties. This amino acid position is conserved. In addition, this alteration is predicted to be tolerated by in silico analysis. Since supporting evidence is limited at this time, the clinical significance of this alteration remains unclear.